The following is an entry in ClinVar:

NM_017541.4(CRYGS):c.139T>C (p.Trp47Arg)

Gene: CRYGS (crystallin gamma S; minus strand). Cytogenetic location: 3q27.3.
Variant type: single nucleotide variant.
Coding change: c.139T>C on transcript NM_017541.4 (MANE Select); coding-DNA position 139, T replaced by C.
Protein change: p.Trp47Arg; replaces tryptophan 47 with arginine.
Molecular consequence: missense variant.
Genome position (GRCh38, 1-based): chr3:186,539,480, A>G on the plus strand (T>C on the coding strand, the complement: CRYGS is on the minus strand). VCF-style: chr3-186539480-A-G. GRCh37 (hg19) VCF-style: chr3-186257269-A-G.
Other names: short protein forms W47R.
Identifiers: ClinVar variation 2810466 (VCV002810466.3), dbSNP rs2474502071, ClinGen allele CA355704426.
Genomic context (GRCh38, chr3:186,539,480, plus strand): 5'-ACTCTCCCTGTGGTAAGATGTACATGTACCCAGCAAAGTTGGGCCTTTCATAAACAGCCC[A>G]GGTGCCTCCTTCCACTTTAATGGAGTTGCAGCGACTTAGGTATGTGTGGAAATCTGCACA-3'
Protein context (NP_060011.1, residues 37-57): CNSIKVEGGT[Trp47Arg]AVYERPNFAG

ClinVar aggregate classification (germline): Uncertain significance (1 of 4 stars; one submission).

Conditions:
Cataract 20 multiple types (CTRCT20). Also called: Membranous cataract. Identifiers: Orphanet 91492, MedGen C0524524, MONDO:0007284, OMIM 116100, HP:0010922.

Submission:

Labcorp Genetics (formerly Invitae), Labcorp
Classification: Uncertain significance for Cataract 20 multiple types. Last evaluated: 2022-10-28. Review status: criteria provided, single submitter. Criteria: Invitae Variant Classification Sherloc (09022015). Collection method: clinical testing. Allele origin: germline.
Comment: This sequence change replaces tryptophan, which is neutral and slightly polar, with arginine, which is basic and polar, at codon 47 of the CRYGS protein (p.Trp47Arg). This variant is not present in population databases (gnomAD no frequency). This variant has not been reported in the literature in individuals affected with CRYGS-related conditions. Algorithms developed to predict the effect of missense changes on protein structure and function (SIFT, PolyPhen-2, Align-GVGD) all suggest that this variant is likely to be disruptive. In summary, the available evidence is currently insufficient to determine the role of this variant in disease. Therefore, it has been classified as a Variant of Uncertain Significance.